The following is an entry in ClinVar:

ClinVar aggregate classification (germline): Uncertain significance (1 of 4 stars; one submission).

Submission:

GeneDx
Classification: Uncertain significance. Last evaluated: 2025-06-27. Review status: criteria provided, single submitter. Criteria: GeneDx Variant Classification Process June 2021. Collection method: clinical testing. Allele origin: germline. Affected: yes.
Comment: Not observed at significant frequency in large population cohorts (gnomAD); In silico analysis supports that this missense variant has a deleterious effect on protein structure/function; Has not been previously published as pathogenic or benign to our knowledge

NM_001360016.2(G6PD):c.1093C>T (p.Arg365Cys)

Gene: G6PD (glucose-6-phosphate dehydrogenase; minus strand). Cytogenetic location: Xq28.
Variant type: single nucleotide variant.
Coding change: c.1093C>T on transcript NM_001360016.2 (MANE Select); coding-DNA position 1093, C replaced by T.
Protein change: p.Arg365Cys; replaces arginine 365 with cysteine.
Molecular consequence: missense variant.
Genome position (GRCh38, 1-based): chrX:154,532,761, G>A on the plus strand (C>T on the coding strand, the complement: G6PD is on the minus strand). VCF-style: chrX-154532761-G-A. GRCh37 (hg19) VCF-style: chrX-153760976-G-A.
Other names: c.1183C>T, p.Arg395Cys (NM_000402.4); c.1093C>T, p.Arg365Cys (NM_001042351.3); short protein forms R365C, R395C.
Identifiers: ClinVar variation 4539842 (VCV004539842.1).